The following is an entry in ClinVar:

NM_003036.4(SKI):c.1505C>G (p.Pro502Arg)

Gene: SKI (SKI proto-oncogene; plus strand). Cytogenetic location: 1p36.32.
Variant type: single nucleotide variant.
Coding change: c.1505C>G on transcript NM_003036.4 (MANE Select); coding-DNA position 1505, C replaced by G.
Protein change: p.Pro502Arg; replaces proline 502 with arginine.
Molecular consequence: missense variant.
Genome position (GRCh38, 1-based): chr1:2,304,323, C>G. VCF-style: chr1-2304323-C-G. GRCh37 (hg19) VCF-style: chr1-2235762-C-G.
Other names: short protein forms P502R.
Identifiers: ClinVar variation 2435959 (VCV002435959.6), dbSNP rs1057520161, ClinGen allele CA337957066.

ClinVar aggregate classification (germline): Uncertain significance. Review status: criteria provided, multiple submitters, no conflicts (2 of 4 stars). 2 submissions from 2 submitters: Uncertain significance (2). Last evaluated 2023-10-29.

Conditions:
Shprintzen-Goldberg syndrome (SGS). Also called: SHPRINTZEN-GOLDBERG CRANIOSYNOSTOSIS SYNDROME; CRANIOSYNOSTOSIS WITH ARACHNODACTYLY AND ABDOMINAL HERNIAS; Marfanoid disorder with craniosynostosis type 1; Marfanoid craniosynostosis syndrome; Shprintzen-Goldberg marfanoid syndrome. Identifiers: Orphanet 2462, MedGen C1321551, MONDO:0008426, OMIM 182212.

Submissions (2):

Labcorp Genetics (formerly Invitae), Labcorp
Classification: Uncertain significance for Shprintzen-Goldberg syndrome. Last evaluated: 2023-10-29. Review status: criteria provided, single submitter. Criteria: Invitae Variant Classification Sherloc (09022015). Collection method: clinical testing. Allele origin: germline.
Comment: This sequence change replaces proline, which is neutral and non-polar, with arginine, which is basic and polar, at codon 502 of the SKI protein (p.Pro502Arg). This variant is not present in population databases (gnomAD no frequency). This variant has not been reported in the literature in individuals affected with SKI-related conditions. ClinVar contains an entry for this variant (Variation ID: 2435959). Advanced modeling of protein sequence and biophysical properties (such as structural, functional, and spatial information, amino acid conservation, physicochemical variation, residue mobility, and thermodynamic stability) has been performed at Invitae for this missense variant, however the output from this modeling did not meet the statistical confidence thresholds required to predict the impact of this variant on SKI protein function. In summary, the available evidence is currently insufficient to determine the role of this variant in disease. Therefore, it has been classified as a Variant of Uncertain Significance.

Revvity Omics, Revvity
Classification: Uncertain significance for Shprintzen-Goldberg syndrome. Last evaluated: 2023-08-02. Review status: criteria provided, single submitter. Criteria: ACMG Guidelines, 2015. Collection method: clinical testing. Allele origin: germline.